The following is an entry in ClinVar:

ClinVar aggregate classification (germline): Pathogenic. Review status: criteria provided, multiple submitters, no conflicts (2 of 4 stars). 3 submissions from 3 submitters: Pathogenic (3). Last evaluated 2024-01-29.

Conditions:
Hereditary cancer-predisposing syndrome. Also called: Neoplastic Syndromes, Hereditary; Tumor predisposition; Hereditary Cancer Syndrome; Hereditary neoplastic syndrome. Identifiers: Orphanet 140162, MedGen C0027672, MeSH D009386, MONDO:0015356.
Familial cancer of breast. Also called: Hereditary breast cancer; hereditary breast carcinoma; BREAST CANCER, FAMILIAL. Identifiers: Orphanet 227535, MedGen C0346153, MONDO:0016419, OMIM 114480. Disease mechanism: loss of function.
Ataxia-telangiectasia syndrome (AT). Also called: Ataxia telangiectasia (A-T); ATAXIA-TELANGIECTASIA, COMPLEMENTATION GROUP A; ATAXIA-TELANGIECTASIA, FRESNO VARIANT; Ataxia-telangiectasia; Ataxia-telangiectasia, complementation group E; LOUIS-BAR SYNDROME. Identifiers: Orphanet 100, MedGen C0004135, MONDO:0008840, OMIM 208900.

Submissions (3):

Myriad Genetics, Inc.
Classification: Pathogenic for Familial cancer of breast. Last evaluated: 2024-01-29. Review status: criteria provided, single submitter. Criteria: Myriad Autosomal Dominant, Autosomal Recessive and X-Linked Classification Criteria (2023). Collection method: clinical testing. Allele origin: unknown.
Comment: This variant is considered pathogenic. This variant creates a termination codon and is predicted to result in premature protein truncation.

Labcorp Genetics (formerly Invitae), Labcorp
Classification: Pathogenic for Ataxia-telangiectasia syndrome. Last evaluated: 2020-03-18. Review status: criteria provided, single submitter. Criteria: Invitae Variant Classification Sherloc (09022015). Collection method: clinical testing. Allele origin: germline.
Comment: For these reasons, this variant has been classified as Pathogenic. Loss-of-function variants in ATM are known to be pathogenic (PMID: 23807571, 25614872). This variant has not been reported in the literature in individuals with ATM-related conditions. This variant is not present in population databases (ExAC no frequency). This sequence change creates a premature translational stop signal (p.Leu2081*) in the ATM gene. It is expected to result in an absent or disrupted protein product.

Ambry Genetics
Classification: Pathogenic for Hereditary cancer-predisposing syndrome. Last evaluated: 2020-01-29. Review status: criteria provided, single submitter. Criteria: Ambry Variant Classification Scheme 2023. Collection method: clinical testing. Allele origin: germline.
Comment: The p.L2081* pathogenic mutation (also known as c.6242T>A), located in coding exon 42 of the ATM gene, results from a T to A substitution at nucleotide position 6242. This changes the amino acid from a leucine to a stop codon within coding exon 42. This alteration is expected to result in loss of function by premature protein truncation or nonsense-mediated mRNA decay. As such, this alteration is interpreted as a disease-causing mutation.

Literature cited by the submitters: PubMed 23807571 (cited by Labcorp Genetics (formerly Invitae), Labcorp); PubMed 25614872 (cited by Labcorp Genetics (formerly Invitae), Labcorp).

NM_000051.4(ATM):c.6242T>A (p.Leu2081Ter)

Genes: C11orf65 (chromosome 11 open reading frame 65; minus strand), ATM (ATM serine/threonine kinase; plus strand). Cytogenetic location: 11q22.3.
Variant type: single nucleotide variant.
Coding change: c.6242T>A on transcript NM_000051.4 (MANE Select); coding-DNA position 6242, T replaced by A.
Protein change: p.Leu2081Ter; replaces leucine 2081 with a stop codon.
Molecular consequence: nonsense. On other transcripts: intron variant (2).
Genome position (GRCh38, 1-based): chr11:108,317,416, T>A. VCF-style: chr11-108317416-T-A. GRCh37 (hg19) VCF-style: chr11-108188143-T-A.
Other names: c.6242T>A, p.Leu2081Ter (NM_001351834.2); c.641-8345A>T (NM_001330368.2); c.*39-8345A>T (NM_001351110.2); short protein forms L2081*.
Identifiers: ClinVar variation 1068534 (VCV001068534.9), dbSNP rs2136164699, ClinGen allele CA382551223.